The following is an entry in ClinVar:

ClinVar aggregate classification (germline): Uncertain significance (1 of 4 stars; one submission).

Submission:

Labcorp Genetics (formerly Invitae), Labcorp
Classification: Uncertain significance. Last evaluated: 2021-04-16. Review status: criteria provided, single submitter. Criteria: Invitae Variant Classification Sherloc (09022015). Collection method: clinical testing. Allele origin: germline.
Comment: This variant has not been reported in the literature in individuals with CACNA2D4-related conditions. This sequence change replaces serine with isoleucine at codon 770 of the CACNA2D4 protein (p.Ser770Ile). The serine residue is moderately conserved and there is a large physicochemical difference between serine and isoleucine. This variant is not present in population databases (ExAC no frequency). Algorithms developed to predict the effect of missense changes on protein structure and function (SIFT, PolyPhen-2, Align-GVGD) all suggest that this variant is likely to be tolerated, but these predictions have not been confirmed by published functional studies and their clinical significance is uncertain. In summary, the available evidence is currently insufficient to determine the role of this variant in disease. Therefore, it has been classified as a Variant of Uncertain Significance.

NM_172364.5(CACNA2D4):c.2309G>T (p.Ser770Ile)

Gene: CACNA2D4 (calcium voltage-gated channel auxiliary subunit alpha2delta 4; minus strand). Cytogenetic location: 12p13.33.
Variant type: single nucleotide variant.
Coding change: c.2309G>T on transcript NM_172364.5 (MANE Select); coding-DNA position 2309, G replaced by T.
Protein change: p.Ser770Ile; replaces serine 770 with isoleucine.
Molecular consequence: missense variant.
Genome position (GRCh38, 1-based): chr12:1,846,627, C>A on the plus strand (G>T on the coding strand, the complement: CACNA2D4 is on the minus strand). VCF-style: chr12-1846627-C-A. GRCh37 (hg19) VCF-style: chr12-1955793-C-A.
Other names: short protein forms S770I.
Identifiers: ClinVar variation 1465980 (VCV001465980.8), dbSNP rs2154447942, ClinGen allele CA383359391.